The following is an entry in ClinVar:

ClinVar aggregate classification (germline): Uncertain significance. Review status: criteria provided, multiple submitters, no conflicts (2 of 4 stars). 3 submissions from 3 submitters: Uncertain significance (2). 1 of the submissions does not count toward it. Last evaluated 2023-08-10.

Conditions:
Retinitis pigmentosa 25 (RP25). Identifiers: Orphanet 791, MedGen C1864446, MONDO:0011272, OMIM 602772.

Allele frequency attached by ClinVar (database versions not stated): gnomAD exomes below 0.00001 and 0.00001; TOPMed 0.00001.
gnomAD v4.1: 2 of 1,535,956 alleles (0.00013%); highest among the groups gnomAD compares: East Asian, 0.0049%; no homozygotes.

Submissions (3):

Blueprint Genetics
Classification: Uncertain significance. Last evaluated: 2023-08-10. Review status: criteria provided, single submitter. Criteria: ACMG Guidelines, 2015. Collection method: clinical testing. Allele origin: germline.

Labcorp Genetics (formerly Invitae), Labcorp
Classification: Uncertain significance. Last evaluated: 2021-09-01. Review status: criteria provided, single submitter. Criteria: Invitae Variant Classification Sherloc (09022015). Collection method: clinical testing. Allele origin: germline.
Comment: This sequence change replaces glutamic acid with lysine at codon 888 of the EYS protein (p.Glu888Lys). The glutamic acid residue is highly conserved and there is a small physicochemical difference between glutamic acid and lysine. This variant is not present in population databases (ExAC no frequency). This variant has not been reported in the literature in individuals affected with EYS-related conditions. Algorithms developed to predict the effect of missense changes on protein structure and function (SIFT, PolyPhen-2, Align-GVGD) all suggest that this variant is likely to be tolerated. In summary, the available evidence is currently insufficient to determine the role of this variant in disease. Therefore, it has been classified as a Variant of Uncertain Significance.

Natera, Inc.
Classification: Uncertain significance for Retinitis pigmentosa type 25. Last evaluated: 2021-03-01. Review status: no assertion criteria provided. Collection method: clinical testing. Allele origin: germline. Not counted in ClinVar's aggregate classification.

NM_001142800.2(EYS):c.2662G>A (p.Glu888Lys)

Gene: EYS (EGF-like photoreceptor maintenance factor; minus strand). Cytogenetic location: 6q12.
Variant type: single nucleotide variant.
Coding change: c.2662G>A on transcript NM_001142800.2 (MANE Select); coding-DNA position 2662, G replaced by A.
Protein change: p.Glu888Lys; replaces glutamic acid 888 with lysine.
Molecular consequence: missense variant.
Genome position (GRCh38, 1-based): chr6:64,902,480, C>T on the plus strand (G>A on the coding strand, the complement: EYS is on the minus strand). VCF-style: chr6-64902480-C-T. GRCh37 (hg19) VCF-style: chr6-65612373-C-T.
Other names: c.2662G>A, p.Glu888Lys (NM_001292009.2); short protein forms E888K.
Identifiers: ClinVar variation 965217 (VCV000965217.8), dbSNP rs1345091519, ClinGen allele CA364785996.
Genomic context (GRCh38, chr6:64,902,480, plus strand): 5'-TATCTTCACAGTCACCATAATCCTGGCAGGAAAGGAAGAGGCAGTCTTTCACATCAATTT[C>T]ACAGTTTTTACCTTCAAATTCTGCAAAGAGTATGAGATGAGTATGGATGAGCAATCCTTG-3'
Protein context (NP_001136272.1, residues 878-898): CREEFEGKNC[Glu888Lys]IDVKDCLFLS